The following is an entry in ClinVar:

ClinVar aggregate classification (germline): Uncertain significance (1 of 4 stars; one submission).

Allele frequency attached by ClinVar (database versions not stated): gnomAD exomes below 0.00001; TOPMed below 0.00001.
gnomAD v4.1: 1 of 1,614,176 alleles (0.000062%); highest among the groups gnomAD compares: African/African-American, 0.0013%; no homozygotes.

Submission:

Labcorp Genetics (formerly Invitae), Labcorp
Classification: Uncertain significance. Last evaluated: 2023-02-12. Review status: criteria provided, single submitter. Criteria: Invitae Variant Classification Sherloc (09022015). Collection method: clinical testing. Allele origin: germline.
Comment: Algorithms developed to predict the effect of sequence changes on RNA splicing suggest that this variant may disrupt the consensus splice site. Algorithms developed to predict the effect of missense changes on protein structure and function are either unavailable or do not agree on the potential impact of this missense change (SIFT: "Deleterious"; PolyPhen-2: "Probably Damaging"; Align-GVGD: "Class C15"). This variant has not been reported in the literature in individuals affected with TBX6-related conditions. This variant is present in population databases (no rsID available, gnomAD 0.007%). This sequence change replaces isoleucine, which is neutral and non-polar, with phenylalanine, which is neutral and non-polar, at codon 257 of the TBX6 protein (p.Ile257Phe). In summary, the available evidence is currently insufficient to determine the role of this variant in disease. Therefore, it has been classified as a Variant of Uncertain Significance.

NM_004608.4(TBX6):c.769A>T (p.Ile257Phe)

Gene: TBX6 (T-box transcription factor 6; minus strand). Cytogenetic location: 16p11.2.
Variant type: single nucleotide variant.
Coding change: c.769A>T on transcript NM_004608.4 (MANE Select); coding-DNA position 769, A replaced by T.
Protein change: p.Ile257Phe; replaces isoleucine 257 with phenylalanine.
Molecular consequence: missense variant.
Genome position (GRCh38, 1-based): chr16:30,088,615, T>A on the plus strand (A>T on the coding strand, the complement: TBX6 is on the minus strand). VCF-style: chr16-30088615-T-A. GRCh37 (hg19) VCF-style: chr16-30099936-T-A.
Other names: short protein forms I257F.
Identifiers: ClinVar variation 2779102 (VCV002779102.3), dbSNP rs1193271988, ClinGen allele CA395517746.